The following is an entry in ClinVar:

ClinVar aggregate classification (germline): Benign/Likely benign. Review status: criteria provided, multiple submitters, no conflicts (2 of 4 stars). 6 submissions from 6 submitters: Benign (5); Likely benign (1). Last evaluated 2026-05-11.

Allele frequency attached by ClinVar (database versions not stated): gnomAD exomes 0.00124 and 0.00333; ExAC 0.00433; gnomAD 0.01225 and 0.01302; TOPMed 0.01376; 1000 Genomes Project 0.01498; 1000 Genomes Project 30x 0.01546; ESP Exome Variant Server 0.01569.
gnomAD v4.1: 3,746 of 1,613,258 alleles (0.23%); highest among the groups gnomAD compares: African/African-American, 4.1%; 83 homozygotes.

Submissions (6):

Women's Health and Genetics/Laboratory Corporation of America, LabCorp
Classification: Benign. Last evaluated: 2026-05-11. Review status: criteria provided, single submitter. Criteria: LabCorp Variant Classification Summary - May 2015. Collection method: clinical testing. Allele origin: germline.

Labcorp Genetics (formerly Invitae), Labcorp
Classification: Benign. Last evaluated: 2026-02-02. Review status: criteria provided, single submitter. Criteria: Invitae Variant Classification Sherloc (09022015). Collection method: clinical testing. Allele origin: germline.

ARUP Laboratories, Molecular Genetics and Genomics, ARUP Laboratories
Classification: Benign. Last evaluated: 2025-02-25. Review status: criteria provided, single submitter. Criteria: ARUP Molecular Germline Variant Investigation Process 2024. Collection method: clinical testing. Allele origin: germline.

Blueprint Genetics
Classification: Likely benign. Last evaluated: 2024-11-20. Review status: criteria provided, single submitter. Criteria: ACMG Guidelines, 2015. Collection method: clinical testing. Allele origin: germline.

GeneDx
Classification: Benign. Last evaluated: 2016-11-30. Review status: criteria provided, single submitter. Criteria: GeneDx Variant Classification (06012015). Collection method: clinical testing. Allele origin: germline. Affected: yes.
Comment: This variant is considered likely benign or benign based on one or more of the following criteria: it is a conservative change, it occurs at a poorly conserved position in the protein, it is predicted to be benign by multiple in silico algorithms, and/or has population frequency not consistent with disease.

PreventionGenetics, part of Exact Sciences
Classification: Benign. Review status: criteria provided, single submitter. Criteria: ACMG Guidelines, 2015. Collection method: clinical testing. Allele origin: germline.

NM_001844.5(COL2A1):c.1680+17C>T

Gene: COL2A1 (collagen type II alpha 1 chain; minus strand). Cytogenetic location: 12q13.11.
Variant type: single nucleotide variant.
Coding change: c.1680+17C>T on transcript NM_001844.5 (MANE Select); 17 bases into the intron after coding-DNA position 1680, C replaced by T.
Molecular consequence: intron variant.
Genome position (GRCh38, 1-based): chr12:47,985,711, G>A on the plus strand (C>T on the coding strand, the complement: COL2A1 is on the minus strand). VCF-style: chr12-47985711-G-A. GRCh37 (hg19) VCF-style: chr12-48379494-G-A.
Other names: c.1473+17C>T (NM_033150.3).
Identifiers: ClinVar variation 258214 (VCV000258214.58), dbSNP rs115270781, ClinGen allele CA6535423.
Genomic context (GRCh38, chr12:47,985,711, plus strand): 5'-AGTGCAGGGCTGGAAGGAGCCAGCCAGGAAGGGCCTGAGGGTCTGAAGCCAAGGGCAACA[G>A]CAGCTCTGCTACTTACCCGGGCTCCAGGAAGGCCAGGTTCTCCAGGACGGCCAGGGTCAC-3'